The following is an entry in ClinVar:

ClinVar aggregate classification (germline): Likely benign (1 of 4 stars; one submission).

gnomAD v4.1: 21 of 1,605,296 alleles (0.0013%); highest among the groups gnomAD compares: African/African-American, 0.023%; no homozygotes.

Submission:

CeGaT Center for Human Genetics Tuebingen
Classification: Likely benign. Last evaluated: 2026-08-01. Review status: criteria provided, single submitter. Criteria: CeGaT Center For Human Genetics Tuebingen Variant Classification Criteria Version 2. Collection method: clinical testing. Allele origin: germline. Affected: yes. Observed: 2 variant alleles.
Comment: LURAP1: BP4, BP7

NM_001013615.3(LURAP1):c.711C>T (p.Thr237=)

Genes: LURAP1 (leucine rich adaptor protein 1; plus strand), POMGNT1 (protein O-linked mannose N-acetylglucosaminyltransferase 1 (beta 1,2-); minus strand). Cytogenetic location: 1p34.1.
Variant type: single nucleotide variant.
Coding change: c.711C>T on transcript NM_001013615.3 (MANE Select); coding-DNA position 711, C replaced by T.
Protein change: p.Thr237=; no amino-acid change (threonine 237 retained).
Molecular consequence: synonymous variant. On other transcripts: 5 prime UTR variant (1).
Genome position (GRCh38, 1-based): chr1:46,220,211, C>T. VCF-style: chr1-46220211-C-T. GRCh37 (hg19) VCF-style: chr1-46685883-C-T.
Other names: c.-557G>A (NM_001243766.2).
Identifiers: ClinVar variation 4281162 (VCV004281162.7).